The following is an entry in ClinVar:

NM_001174147.2(LMX1B):c.782G>T (p.Arg261Leu)

Gene: LMX1B (LIM homeobox transcription factor 1 beta; plus strand). Cytogenetic location: 9q33.3.
Variant type: single nucleotide variant.
Coding change: c.782G>T on transcript NM_001174147.2 (MANE Select); coding-DNA position 782, G replaced by T.
Protein change: p.Arg261Leu; replaces arginine 261 with leucine.
Molecular consequence: missense variant.
Genome position (GRCh38, 1-based): chr9:126,693,564, G>T. VCF-style: chr9-126693564-G-T. GRCh37 (hg19) VCF-style: chr9-129455843-G-T.
Other names: c.782G>T, p.Arg261Leu (NM_001174146.2, NM_002316.4); short protein forms R261L.
Identifiers: ClinVar variation 1482831 (VCV001482831.6), dbSNP rs1161738395, ClinGen allele CA374913882.
Genomic context (GRCh38, chr9:126,693,564, plus strand): 5'-TTCCCCTCTCTCTGAGCCAGGTCCGAGAGACACTGGCAGCTGAGACGGGCCTCAGTGTGC[G>T]CGTGGTCCAGGTCTGGTTTCAGAACCAAAGAGCAAAGGTAAGAGGCCACCCCCCATCCCC-3'
Protein context (NP_001167618.1, residues 251-271): TLAAETGLSV[Arg261Leu]VVQVWFQNQR

ClinVar aggregate classification (germline): Likely pathogenic (1 of 4 stars; one submission).

Submission:

Labcorp Genetics (formerly Invitae), Labcorp
Classification: Likely pathogenic. Last evaluated: 2021-12-29. Review status: criteria provided, single submitter. Criteria: Invitae Variant Classification Sherloc (09022015). Collection method: clinical testing. Allele origin: germline.
Comment: In summary, the currently available evidence indicates that the variant is pathogenic, but additional data are needed to prove that conclusively. Therefore, this variant has been classified as Likely Pathogenic. This variant disrupts the p.Arg261 amino acid residue in LMX1B. Other variant(s) that disrupt this residue have been observed in individuals with LMX1B-related conditions (PMID: 15498463, 22574102, 31502745), which suggests that this may be a clinically significant amino acid residue. Algorithms developed to predict the effect of missense changes on protein structure and function are either unavailable or do not agree on the potential impact of this missense change (SIFT: "Deleterious"; PolyPhen-2: "Probably Damaging"; Align-GVGD: "Class C0"). This missense change has been observed in individual(s) with nail-patella syndrome (Invitae). This variant is not present in population databases (gnomAD no frequency). This sequence change replaces arginine, which is basic and polar, with leucine, which is neutral and non-polar, at codon 261 of the LMX1B protein (p.Arg261Leu).

Literature cited by the submitters: PubMed 15498463; PubMed 22574102; PubMed 31502745.